The following is an entry in ClinVar:

NM_016604.4(KDM3B):c.4034A>G (p.Glu1345Gly)

Gene: KDM3B (lysine demethylase 3B; plus strand). Cytogenetic location: 5q31.2.
Variant type: single nucleotide variant.
Coding change: c.4034A>G on transcript NM_016604.4 (MANE Select); coding-DNA position 4034, A replaced by G.
Protein change: p.Glu1345Gly; replaces glutamic acid 1345 with glycine.
Molecular consequence: missense variant.
Genome position (GRCh38, 1-based): chr5:138,424,136, A>G. VCF-style: chr5-138424136-A-G. GRCh37 (hg19) VCF-style: chr5-137759825-A-G.
Other names: short protein forms E1345G.
Identifiers: ClinVar variation 3373490 (VCV003373490.1).

ClinVar aggregate classification (germline): Uncertain significance (1 of 4 stars; one submission).

Submission:

GeneDx
Classification: Uncertain significance. Last evaluated: 2024-02-28. Review status: criteria provided, single submitter. Criteria: GeneDx Variant Classification Process June 2021. Collection method: clinical testing. Allele origin: germline. Affected: yes.
Comment: Not observed at significant frequency in large population cohorts (gnomAD); In silico analysis supports that this missense variant has a deleterious effect on protein structure/function; Has not been previously published as pathogenic or benign to our knowledge